The following is an entry in ClinVar:

ClinVar aggregate classification (germline): Uncertain significance (1 of 4 stars; one submission).

Conditions:
Primary ciliary dyskinesia. Also called: Ciliary dyskinesia. Identifiers: Orphanet 244, MedGen C0008780, MONDO:0016575, HP:0012265.

Allele frequency attached by ClinVar (database versions not stated): gnomAD exomes below 0.00001.

Submission:

Labcorp Genetics (formerly Invitae), Labcorp
Classification: Uncertain significance for Primary ciliary dyskinesia. Last evaluated: 2022-10-17. Review status: criteria provided, single submitter. Criteria: Invitae Variant Classification Sherloc (09022015). Collection method: clinical testing. Allele origin: germline.
Comment: This variant is not present in population databases (gnomAD no frequency). This sequence change replaces phenylalanine, which is neutral and non-polar, with leucine, which is neutral and non-polar, at codon 377 of the DNAH11 protein (p.Phe377Leu). In summary, the available evidence is currently insufficient to determine the role of this variant in disease. Therefore, it has been classified as a Variant of Uncertain Significance. Advanced modeling of protein sequence and biophysical properties (such as structural, functional, and spatial information, amino acid conservation, physicochemical variation, residue mobility, and thermodynamic stability) performed at Invitae indicates that this missense variant is not expected to disrupt DNAH11 protein function. This variant has not been reported in the literature in individuals affected with DNAH11-related conditions.

NM_001277115.2(DNAH11):c.1131T>G (p.Phe377Leu)

Gene: DNAH11 (dynein axonemal heavy chain 11; plus strand). Cytogenetic location: 7p15.3.
Variant type: single nucleotide variant.
Coding change: c.1131T>G on transcript NM_001277115.2 (MANE Select); coding-DNA position 1131, T replaced by G.
Protein change: p.Phe377Leu; replaces phenylalanine 377 with leucine.
Molecular consequence: missense variant.
Genome position (GRCh38, 1-based): chr7:21,564,334, T>G. VCF-style: chr7-21564334-T-G. GRCh37 (hg19) VCF-style: chr7-21603952-T-G.
Other names: c.1131T>G, p.Phe377Leu (NM_003777.3); short protein forms F377L.
Identifiers: ClinVar variation 1912673 (VCV001912673.5), dbSNP rs2534496278, ClinGen allele CA366933937.
Genomic context (GRCh38, chr7:21,564,334, plus strand): 5'-ACGCATATTAATCGCTCCATTATTTCATACCATCTGTCTGATCTGGAGTCATTCCAAGTT[T>G]TATAACACCCCAGCTCGGGTTATAGTTTTATTGCAAGAGTTTTGTAATCTCTTCATTAAC-3'
Protein context (NP_001264044.1, residues 367-387): TICLIWSHSK[Phe377Leu]YNTPARVIVL